The following is an entry in ClinVar:

NM_014423.4(AFF4):c.453C>T (p.His151=)

Gene: AFF4 (ALF transcription elongation factor 4; minus strand). Cytogenetic location: 5q31.1.
Variant type: single nucleotide variant.
Coding change: c.453C>T on transcript NM_014423.4 (MANE Select); coding-DNA position 453, C replaced by T.
Protein change: p.His151=; no amino-acid change (histidine 151 retained).
Molecular consequence: synonymous variant.
Genome position (GRCh38, 1-based): chr5:132,934,612, G>A on the plus strand (C>T on the coding strand, the complement: AFF4 is on the minus strand). VCF-style: chr5-132934612-G-A. GRCh37 (hg19) VCF-style: chr5-132270304-G-A.
Other names: c.453C>T (NM_014423.3).
Identifiers: ClinVar variation 2035082 (VCV002035082.6), dbSNP rs200186886, ClinGen allele CA3409433.

ClinVar aggregate classification (germline): Likely benign. Review status: criteria provided, single submitter (1 of 4 stars). 2 submissions from 2 submitters: Likely benign (1). 1 of the submissions does not count toward it. Last evaluated 2025-09-11.

Conditions:
Cognitive impairment - coarse facies - heart defects - obesity - pulmonary involvement - short stature - skeletal dysplasia syndrome. Also called: Chops syndrome; AFF4-Related CHOPS Syndrome; COGNITIVE IMPAIRMENT, COARSE FACIES, HEART DEFECTS, OBESITY, PULMONARY INVOLVEMENT, SHORT STATURE, AND SKELETAL DYSPLASIA. Identifiers: Orphanet 444077, MedGen C4085597, MONDO:0014609, OMIM 616368.
AFF4-related disorder. Also called: AFF4-related condition.

Allele frequency attached by ClinVar (database versions not stated): gnomAD 0.00001; gnomAD exomes 0.00001; ExAC 0.00005.
gnomAD v4.1: 21 of 1,613,942 alleles (0.0013%); highest among the groups gnomAD compares: Admixed American, 0.028%; no homozygotes.

Submissions (2):

Labcorp Genetics (formerly Invitae), Labcorp
Classification: Likely benign for Cognitive impairment - coarse facies - heart defects - obesity - pulmonary involvement - short stature - skeletal dysplasia syndrome. Last evaluated: 2025-09-11. Review status: criteria provided, single submitter. Criteria: Invitae Variant Classification Sherloc (09022015). Collection method: clinical testing. Allele origin: germline.

PreventionGenetics, part of Exact Sciences
Classification: Likely benign for AFF4-related condition. Last evaluated: 2021-12-10. Review status: no assertion criteria provided. Collection method: clinical testing. Allele origin: germline. Not counted in ClinVar's aggregate classification.
Comment: This variant is classified as likely benign based on ACMG/AMP sequence variant interpretation guidelines (Richards et al. 2015 PMID: 25741868, with internal and published modifications).